The following is an entry in ClinVar:

ClinVar aggregate classification (germline): Uncertain significance (1 of 4 stars; one submission).

Allele frequency attached by ClinVar (database versions not stated): gnomAD exomes below 0.00001.
gnomAD v4.1: 1 of 1,539,450 alleles (0.000065%); highest among the groups gnomAD compares: South Asian, 0.0013%; no homozygotes.

Submission:

Labcorp Genetics (formerly Invitae), Labcorp
Classification: Uncertain significance. Last evaluated: 2024-03-07. Review status: criteria provided, single submitter. Criteria: Invitae Variant Classification Sherloc (09022015). Collection method: clinical testing. Allele origin: germline.
Comment: This sequence change replaces proline, which is neutral and non-polar, with threonine, which is neutral and polar, at codon 813 of the CFH protein (p.Pro813Thr). This variant is not present in population databases (gnomAD no frequency). This variant has not been reported in the literature in individuals affected with CFH-related conditions. ClinVar contains an entry for this variant (Variation ID: 1719226). An algorithm developed to predict the effect of missense changes on protein structure and function (PolyPhen-2) suggests that this variant is likely to be disruptive. In summary, the available evidence is currently insufficient to determine the role of this variant in disease. Therefore, it has been classified as a Variant of Uncertain Significance.

NM_000186.4(CFH):c.2437C>A (p.Pro813Thr)

Gene: CFH (complement factor H; plus strand). Cytogenetic location: 1q31.3.
Variant type: single nucleotide variant.
Coding change: c.2437C>A on transcript NM_000186.4 (MANE Select); coding-DNA position 2437, C replaced by A.
Protein change: p.Pro813Thr; replaces proline 813 with threonine.
Molecular consequence: missense variant.
Genome position (GRCh38, 1-based): chr1:196,736,847, C>A. VCF-style: chr1-196736847-C-A. GRCh37 (hg19) VCF-style: chr1-196705977-C-A.
Other names: short protein forms P813T.
Identifiers: ClinVar variation 1719226 (VCV001719226.5), dbSNP rs2529531414, ClinGen allele CA343992700.
Genomic context (GRCh38, chr1:196,736,847, plus strand): 5'-TTATTATAACATTAATTATATTTTTAATATTTTTTAGTGGCACAAATACAATTATGCCCA[C>A]CTCCACCTCAGATTCCCAATTCTCACAATATGACAACCACACTGAATTATCGGGATGGAG-3'
Protein context (NP_000177.2, residues 803-823): CSMAQIQLCP[Pro813Thr]PPQIPNSHNM